The following is an entry in ClinVar:

NC_000016.9:g.(?_89371594)_(89730828_?)dup

Genes: RPL13 (ribosomal protein L13; plus strand), SPATA33 (spermatogenesis associated 33; plus strand), SPG7 (SPG7 matrix AAA peptidase subunit, paraplegin; plus strand), ANKRD11 (ankyrin repeat domain 11; minus strand), CHMP1A (charged multivesicular body protein 1A; minus strand) and 3 more. Cytogenetic location: 16q24.3.
Variant type: Duplication.
Identifiers: ClinVar variation 2425843 (VCV002425843.3).

ClinVar aggregate classification (germline): Uncertain significance (1 of 4 stars; one submission).

Conditions:
KBG syndrome (KBGS). Also called: ANKRD11-Related KBG Syndrome. Identifiers: Orphanet 2332, MedGen C0220687, MONDO:0007846, OMIM 148050.

Submission:

Labcorp Genetics (formerly Invitae), Labcorp
Classification: Uncertain significance for KBG syndrome. Last evaluated: 2022-07-15. Review status: criteria provided, single submitter. Criteria: Invitae Variant Classification Sherloc (09022015). Collection method: clinical testing. Allele origin: germline.
Comment: This variant results in a copy number gain of the genomic region encompassing exon(s) 1-4 of the ANKRD11 gene. This region includes the initiator codon of the gene. This copy number gain extends beyond the assayed region for this gene and therefore may encompass additional genes. As the precise location of this event is unknown, it may be in tandem or it may be located elsewhere in the genome. In summary, the available evidence is currently insufficient to determine the role of this variant in disease. Therefore, it has been classified as a Variant of Uncertain Significance. Experimental studies and prediction algorithms are not available or were not evaluated, and the functional significance of this variant is currently unknown. This variant has not been reported in the literature in individuals affected with ANKRD11-related conditions.